The following is an entry in ClinVar:

ClinVar aggregate classification (germline): Uncertain significance (1 of 4 stars; one submission).

Conditions:
Cardiovascular phenotype. Identifiers: MedGen CN230736.

Submission:

Ambry Genetics
Classification: Uncertain significance for Cardiovascular phenotype. Last evaluated: 2024-07-07. Review status: criteria provided, single submitter. Criteria: Ambry Variant Classification Scheme 2023. Collection method: clinical testing. Allele origin: germline.
Comment: The p.P141Q variant (also known as c.422C>A), located in coding exon 1 of the ALPK3 gene, results from a C to A substitution at nucleotide position 422. The proline at codon 141 is replaced by glutamine, an amino acid with similar properties. This amino acid position is conserved. In addition, this alteration is predicted to be tolerated by in silico analysis. Based on the available evidence, the clinical significance of this variant remains unclear.

NM_020778.4(ALPK3):c.422C>A (p.Pro141Gln)

Gene: ALPK3 (alpha kinase 3; plus strand). Cytogenetic location: 15q25.3.
Variant type: single nucleotide variant.
Coding change: c.422C>A on transcript NM_020778.4; coding-DNA position 422, C replaced by A.
Protein change: p.Pro141Gln; replaces proline 141 with glutamine.
Genome position (GRCh38, 1-based): chr15:84,817,268, C>A. VCF-style: chr15-84817268-C-A. GRCh37 (hg19) VCF-style: chr15-85360499-C-A.
Other names: short protein forms P141Q.
Identifiers: ClinVar variation 3532845 (VCV003532845.1).